The following is an entry in ClinVar:

ClinVar aggregate classification (germline): Conflicting classifications of pathogenicity. Review status: criteria provided, conflicting classifications (1 of 4 stars). 5 submissions from 5 submitters: Uncertain significance (4); Likely benign (1). Last evaluated 2025-11-01.

Submissions (5):

CeGaT Center for Human Genetics Tuebingen
Classification: Likely benign. Last evaluated: 2025-11-01. Review status: criteria provided, single submitter. Criteria: CeGaT Center For Human Genetics Tuebingen Variant Classification Criteria Version 2. Collection method: clinical testing. Allele origin: germline. Affected: yes. Observed: 1 variant allele.
Comment: PIEZO1: PM4, BS2

Revvity Omics, Revvity
Classification: Uncertain significance. Last evaluated: 2024-10-08. Review status: criteria provided, single submitter. Criteria: ACMG Guidelines, 2015. Collection method: clinical testing. Allele origin: germline.

Blueprint Genetics
Classification: Uncertain significance. Last evaluated: 2024-09-03. Review status: criteria provided, single submitter. Criteria: ACMG Guidelines, 2015. Collection method: clinical testing. Allele origin: germline.

Mayo Clinic Laboratories, Mayo Clinic
Classification: Uncertain significance. Last evaluated: 2020-03-28. Review status: criteria provided, single submitter. Criteria: ACMG Guidelines, 2015. Collection method: clinical testing. Allele origin: germline. Observed: 1 variant allele.

GeneDx
Classification: Uncertain significance. Last evaluated: 2019-09-13. Review status: criteria provided, single submitter. Criteria: GeneDx Variant Classification Process June 2021. Collection method: clinical testing. Allele origin: germline. Affected: yes.
Comment: In-frame deletion of 2 amino acids in a non-repeat region; Has not been previously published as pathogenic or benign to our knowledge

NM_001142864.4(PIEZO1):c.4379GGC[1] (p.Arg1461_Arg1462del)

Gene: PIEZO1 (piezo type mechanosensitive ion channel component 1 (Er blood group); minus strand). Cytogenetic location: 16q24.3.
Variant type: Microsatellite.
Coding change: c.4379GGC[1] on transcript NM_001142864.4 (MANE Select); one copy of the 3-base unit GGC starting at c.4379; the reference has three copies in a row; two copies, 6 bases deleted; also written c.4382_4387del.
Protein change: p.Arg1461_Arg1462del.
Molecular consequence: inframe deletion.
Genome position (GRCh38, 1-based): chr16:88,723,277-88,723,282, GCCGCC deleted on the plus strand (GGCGGC on the coding strand, the reverse complement: PIEZO1 is on the minus strand); deleting any 6 consecutive bases within chr16:88,723,277-88,723,285 gives the same sequence; the position shown is the placement nearest the transcript's 3' end. VCF-style (leftmost placement, unchanged base first): chr16-88723276-TGCCGCC-T. GRCh37 (hg19) VCF-style: chr16-88789684-TGCCGCC-T.
Other names: c.4382_4387del6 (NM_001142864.2); c.4382_4387del (NM_001142864.4).
Identifiers: ClinVar variation 1163396 (VCV001163396.16), dbSNP rs759270131, ClinGen allele CA8232161.